The following is an entry in ClinVar:

NM_001039141.3(TRIOBP):c.7044T>C (p.Leu2348=)

Gene: TRIOBP (TRIO and F-actin binding protein; plus strand). Cytogenetic location: 22q13.1.
Variant type: single nucleotide variant.
Coding change: c.7044T>C on transcript NM_001039141.3 (MANE Select); coding-DNA position 7044, T replaced by C.
Protein change: p.Leu2348=; no amino-acid change (leucine 2348 retained).
Molecular consequence: synonymous variant.
Genome position (GRCh38, 1-based): chr22:37,772,708, T>C. VCF-style: chr22-37772708-T-C. GRCh37 (hg19) VCF-style: chr22-38168715-T-C.
Other names: c.1905T>C, p.Leu635= (NM_007032.5).
Identifiers: ClinVar variation 618444 (VCV000618444.11), dbSNP rs373077785, ClinGen allele CA10225328.

ClinVar aggregate classification (germline): Likely benign. Review status: criteria provided, multiple submitters, no conflicts (2 of 4 stars). 2 submissions from 2 submitters: Likely benign (2). Last evaluated 2024-09-12.

Allele frequency attached by ClinVar (database versions not stated): gnomAD exomes below 0.00001; ExAC 0.00001; TOPMed 0.00004; gnomAD 0.00005; ESP Exome Variant Server 0.00008.
gnomAD v4.1: 13 of 1,613,926 alleles (0.00081%); highest among the groups gnomAD compares: African/African-American, 0.012%; no homozygotes.

Submissions (2):

Labcorp Genetics (formerly Invitae), Labcorp
Classification: Likely benign. Last evaluated: 2024-09-12. Review status: criteria provided, single submitter. Criteria: Invitae Variant Classification Sherloc (09022015). Collection method: clinical testing. Allele origin: germline.

ARUP Laboratories, Molecular Genetics and Genomics, ARUP Laboratories
Classification: Likely benign. Last evaluated: 2018-05-09. Review status: criteria provided, single submitter. Criteria: ARUP Molecular Germline Variant Investigation Process. Collection method: clinical testing. Allele origin: germline.
Comment: The p.Leu2348Leu variant (rs373077785) does not alter the amino acid sequence of the TRIOBP protein and computational splice site prediction algorithms do not predict a change in the nearest splice site or creation of a cryptic splice site. This variant has not been reported in association with hearing loss in medical literature or in gene specific variation databases. This variant is listed in the Genome Aggregation Database (gnomAD) with an overall population frequency of 0.006 percent (identified on 2 out of 30908 chromosomes). Based on these observations, the p.Leu2348Leu variant is likely to be benign.